The following is an entry in ClinVar:

ClinVar aggregate classification (germline): Benign/Likely benign. Review status: criteria provided, multiple submitters, no conflicts (2 of 4 stars). 2 submissions from 2 submitters: Benign (1); Likely benign (1). Last evaluated 2024-04-05.

Conditions:
Familial adenomatous polyposis 1 (FAP1). Also called: POLYPOSIS, ADENOMATOUS INTESTINAL; FAMILIAL ADENOMATOUS POLYPOSIS 1, ATTENUATED. Identifiers: MedGen C2713442, MONDO:0021056, OMIM 175100. Disease mechanism: loss of function.
Hereditary cancer-predisposing syndrome. Also called: Hereditary Cancer Syndrome; Neoplastic Syndromes, Hereditary; Tumor predisposition; Hereditary neoplastic syndrome. Identifiers: Orphanet 140162, MedGen C0027672, MeSH D009386, MONDO:0015356.

Submissions (2):

Myriad Genetics, Inc.
Classification: Benign for Familial adenomatous polyposis 1. Last evaluated: 2024-04-05. Review status: criteria provided, single submitter. Criteria: Myriad Autosomal Dominant, Autosomal Recessive and X-Linked Classification Criteria (2023). Collection method: clinical testing. Allele origin: unknown.
Comment: This variant is considered benign. This variant is a silent/synonymous amino acid change and it is not expected to impact splicing.

Color Diagnostics, LLC DBA Color Health
Classification: Likely benign for Hereditary cancer-predisposing syndrome. Last evaluated: 2017-02-14. Review status: criteria provided, single submitter. Criteria: ACMG Guidelines, 2015. Collection method: clinical testing. Allele origin: germline.

NM_000038.6(APC):c.6804C>T (p.Thr2268=)

Gene: APC (APC regulator of Wnt signaling pathway; plus strand). Cytogenetic location: 5q22.2.
Variant type: single nucleotide variant.
Coding change: c.6804C>T on transcript NM_000038.6 (MANE Select); coding-DNA position 6804, C replaced by T.
Protein change: p.Thr2268=; no amino-acid change (threonine 2268 retained).
Molecular consequence: synonymous variant.
Genome position (GRCh38, 1-based): chr5:112,842,398, C>T. VCF-style: chr5-112842398-C-T. GRCh37 (hg19) VCF-style: chr5-112178095-C-T.
Other names: c.6804C>T, p.Thr2268= (NM_001127510.3, NM_001354895.2); c.6750C>T, p.Thr2250= (NM_001127511.3); c.6858C>T, p.Thr2286= (NM_001354896.2); c.6834C>T, p.Thr2278= (NM_001354897.2); c.6729C>T, p.Thr2243= (NM_001354898.2); c.6720C>T, p.Thr2240= (NM_001354899.2); c.6681C>T, p.Thr2227= (NM_001354900.2); c.6627C>T, p.Thr2209= (NM_001354901.2); and 5 more.
Identifiers: ClinVar variation 490343 (VCV000490343.4), dbSNP rs1554087758, ClinGen allele CA446210037.